The following is an entry in ClinVar:

ClinVar aggregate classification (germline): Uncertain significance. Review status: criteria provided, multiple submitters, no conflicts (2 of 4 stars). 2 submissions from 2 submitters: Uncertain significance (2). Last evaluated 2024-05-27.

Allele frequency attached by ClinVar (database versions not stated): ExAC 0.00006; TOPMed 0.00006; gnomAD 0.00009; 1000 Genomes Project 30x 0.00016; 1000 Genomes Project 0.00020.
gnomAD v4.1: 130 of 1,614,124 alleles (0.0081%); highest among the groups gnomAD compares: Middle Eastern, 0.017%; no homozygotes.

Submissions (2):

Blueprint Genetics
Classification: Uncertain significance. Last evaluated: 2024-05-27. Review status: criteria provided, single submitter. Criteria: ACMG Guidelines, 2015. Collection method: clinical testing. Allele origin: germline.

GeneDx
Classification: Uncertain significance. Last evaluated: 2022-04-11. Review status: criteria provided, single submitter. Criteria: GeneDx Variant Classification Process June 2021. Collection method: clinical testing. Allele origin: germline. Affected: yes.
Comment: In silico analysis supports that this missense variant has a deleterious effect on protein structure/function; Has not been previously published as pathogenic or benign to our knowledge

NM_017721.5(CC2D1A):c.1885C>T (p.Arg629Trp)

Gene: CC2D1A (coiled-coil and C2 domain containing 1A; plus strand). Cytogenetic location: 19p13.12.
Variant type: single nucleotide variant.
Coding change: c.1885C>T on transcript NM_017721.5 (MANE Select); coding-DNA position 1885, C replaced by T.
Protein change: p.Arg629Trp; replaces arginine 629 with tryptophan.
Molecular consequence: missense variant.
Genome position (GRCh38, 1-based): chr19:13,923,756, C>T. VCF-style: chr19-13923756-C-T. GRCh37 (hg19) VCF-style: chr19-14034569-C-T.
Other names: c.1885C>T, p.Arg629Trp (NM_001411138.1); short protein forms R629W.
Identifiers: ClinVar variation 1710607 (VCV001710607.3), dbSNP rs143000486, ClinGen allele CA9244842.